The following is an entry in ClinVar:

ClinVar aggregate classification (germline): Uncertain significance (1 of 4 stars; one submission).

Allele frequency attached by ClinVar (database versions not stated): gnomAD exomes 0.00001; ExAC 0.00002; gnomAD 0.00005; TOPMed 0.00005.
gnomAD v4.1: 31 of 1,610,468 alleles (0.0019%); highest among the groups gnomAD compares: African/African-American, 0.016%; no homozygotes.

Submission:

Labcorp Genetics (formerly Invitae), Labcorp
Classification: Uncertain significance. Last evaluated: 2025-05-05. Review status: criteria provided, single submitter. Criteria: Invitae Variant Classification Sherloc (09022015). Collection method: clinical testing. Allele origin: germline.
Comment: This sequence change replaces isoleucine, which is neutral and non-polar, with valine, which is neutral and non-polar, at codon 371 of the IREB2 protein (p.Ile371Val). This variant is present in population databases (rs779301337, gnomAD 0.008%). This variant has not been reported in the literature in individuals affected with IREB2-related conditions. ClinVar contains an entry for this variant (Variation ID: 1901518). An algorithm developed to predict the effect of missense changes on protein structure and function (PolyPhen-2) suggests that this variant is likely to be tolerated. In summary, the available evidence is currently insufficient to determine the role of this variant in disease. Therefore, it has been classified as a Variant of Uncertain Significance.

NM_004136.4(IREB2):c.1111A>G (p.Ile371Val)

Gene: IREB2 (iron responsive element binding protein 2; plus strand). Cytogenetic location: 15q25.1.
Variant type: single nucleotide variant.
Coding change: c.1111A>G on transcript NM_004136.4 (MANE Select); coding-DNA position 1111, A replaced by G.
Protein change: p.Ile371Val; replaces isoleucine 371 with valine.
Molecular consequence: missense variant. On other transcripts: 3 prime UTR variant (1).
Genome position (GRCh38, 1-based): chr15:78,476,275, A>G. VCF-style: chr15-78476275-A-G. GRCh37 (hg19) VCF-style: chr15-78768617-A-G.
Other names: c.361A>G, p.Ile121Val (NM_001320941.2); c.940A>G, p.Ile314Val (NM_001320942.2, NM_001354994.2); c.*2885A>G (NM_001320943.2); short protein forms I371V, I121V, I314V.
Identifiers: ClinVar variation 1901518 (VCV001901518.5), dbSNP rs779301337, ClinGen allele CA7682886.